The following is an entry in ClinVar:

NM_201253.3(CRB1):c.2309G>A (p.Gly770Asp)

Gene: CRB1 (crumbs cell polarity complex component 1; plus strand). Cytogenetic location: 1q31.3.
Variant type: single nucleotide variant.
Coding change: c.2309G>A on transcript NM_201253.3 (MANE Select); coding-DNA position 2309, G replaced by A.
Protein change: p.Gly770Asp; replaces glycine 770 with aspartic acid.
Molecular consequence: missense variant. On other transcripts: non-coding transcript variant (2), intron variant (1).
Genome position (GRCh38, 1-based): chr1:197,427,634, G>A. VCF-style: chr1-197427634-G-A. GRCh37 (hg19) VCF-style: chr1-197396764-G-A.
Other names: c.1973G>A, p.Gly658Asp (NM_001193640.2); c.2102G>A, p.Gly701Asp (NM_001257965.2); c.2128+5678G>A (NM_001257966.2); short protein forms G770D, G658D, G701D.
Identifiers: ClinVar variation 236471 (VCV000236471.2), dbSNP rs878853365, ClinGen allele CA10581628.

ClinVar aggregate classification (germline): Uncertain significance. Review status: criteria provided, single submitter (1 of 4 stars). 2 submissions from 2 submitters: Uncertain significance (1). 1 of the submissions does not count toward it. Last evaluated 2023-07-10.

Conditions:
Retinal dystrophy. Also called: Inherited retinal dystrophy. Identifiers: Orphanet 71862, MedGen C0854723, MeSH D058499, MONDO:0019118, HP:0000556.

Submissions (2):

Women's Health and Genetics/Laboratory Corporation of America, LabCorp
Classification: Uncertain significance. Last evaluated: 2023-07-10. Review status: criteria provided, single submitter. Criteria: LabCorp Variant Classification Summary - May 2015. Collection method: clinical testing. Allele origin: germline.
Comment: Variant summary: CRB1 c.2309G>A (p.Gly770Asp) results in a non-conservative amino acid change located in the Laminin G domain (IPR001791) of the encoded protein sequence. Four of five in-silico tools predict a damaging effect of the variant on protein function. The variant was absent in 250752 control chromosomes (gnomAD). The available data on variant occurrences in the general population are insufficient to allow any conclusion about variant significance. c.2309G>A has been reported in the literature in at least one compound heterozygous individual affected with Retinal Dystrophy (e.g., Ellingford_2016). These data do not allow any conclusion about variant significance. To our knowledge, no experimental evidence demonstrating an impact on protein function has been reported. The following publication was ascertained in the context of this evaluation (PMID: 27208204). No submitters have reported clinical-significance assessments for this variant to ClinVar after 2014. Additionally, another missense variant impacting the same codon, c.2308G>A (p.G770S), has been reported in the literature in patients affected with retinal dystrophy (PMIDs: 27208204, 30576320, 31879567) and reported as pathogenic in ClinVar. Based on the evidence outlined above, the variant was classified as VUS-possibly pathogenic.

Centre for Genomic Medicine, Manchester, Central Manchester University Hospitals
Classification: Uncertain significance for Retinal dystrophy. Review status: no assertion criteria provided. Collection method: clinical testing. Allele origin: germline. Affected: yes. Not counted in ClinVar's aggregate classification.

Literature cited by the submitters: PubMed 27208204 (cited by Women's Health and Genetics/Laboratory Corporation of America, LabCorp).